The following is an entry in ClinVar:

ClinVar aggregate classification (germline): Uncertain significance (1 of 4 stars; one submission).

Conditions:
Wilson disease (WND). Also called: Wilson's disease. Identifiers: Orphanet 905, MedGen C0019202, MONDO:0010200, OMIM 277900. Disease mechanism: loss of function.

Allele frequency attached by ClinVar (database versions not stated): gnomAD exomes below 0.00001.
gnomAD v4.1: 1 of 1,614,212 alleles (0.000062%); highest among the groups gnomAD compares: Admixed American, 0.0017%; no homozygotes.

Submission:

Labcorp Genetics (formerly Invitae), Labcorp
Classification: Uncertain significance for Wilson disease. Last evaluated: 2022-05-18. Review status: criteria provided, single submitter. Criteria: Invitae Variant Classification Sherloc (09022015). Collection method: clinical testing. Allele origin: germline.
Comment: This sequence change replaces aspartic acid, which is acidic and polar, with glycine, which is neutral and non-polar, at codon 118 of the ATP7B protein (p.Asp118Gly). This variant is present in population databases (no rsID available, gnomAD 0.003%). This variant has not been reported in the literature in individuals affected with ATP7B-related conditions. Advanced modeling of protein sequence and biophysical properties (such as structural, functional, and spatial information, amino acid conservation, physicochemical variation, residue mobility, and thermodynamic stability) performed at Invitae indicates that this missense variant is not expected to disrupt ATP7B protein function. In summary, the available evidence is currently insufficient to determine the role of this variant in disease. Therefore, it has been classified as a Variant of Uncertain Significance.

NM_000053.4(ATP7B):c.353A>G (p.Asp118Gly)

Gene: ATP7B (ATPase copper transporting beta; minus strand). Cytogenetic location: 13q14.3.
Variant type: single nucleotide variant.
Coding change: c.353A>G on transcript NM_000053.4 (MANE Select); coding-DNA position 353, A replaced by G.
Protein change: p.Asp118Gly; replaces aspartic acid 118 with glycine.
Molecular consequence: missense variant.
Genome position (GRCh38, 1-based): chr13:51,974,867, T>C on the plus strand (A>G on the coding strand, the complement: ATP7B is on the minus strand). VCF-style: chr13-51974867-T-C. GRCh37 (hg19) VCF-style: chr13-52549003-T-C.
Other names: c.353A>G, p.Asp118Gly (NM_001005918.3, NM_001243182.2, NM_001330578.2 and 30 more transcripts); c.257A>G, p.Asp86Gly (NM_001406517.1, NM_001406518.1, NM_001406530.1 and 4 more transcripts); short protein forms D118G, D86G.
Identifiers: ClinVar variation 2158178 (VCV002158178.1), dbSNP rs1352002305, ClinGen allele CA388044280.
Genomic context (GRCh38, chr13:51,974,867, plus strand): 5'-AAGGACCTTGAGGGCCAGGAGGCTGCCTTTCCTTCTGCAATGCTGGCCTCGAAGCCCATG[T>C]CCCCAATTTGATGGCAAACCTGTTGCAGGCACACAACCGATGGCACATATTTCACAGTGG-3'
Protein context (NP_000044.2, residues 108-128): CLQQVCHQIG[Asp118Gly]MGFEASIAEG